The following is an entry in ClinVar:

ClinVar aggregate classification (germline): Uncertain significance (1 of 4 stars; one submission).

Conditions:
Epidermodysplasia verruciformis. Identifiers: Orphanet 302, MedGen C0014522, MONDO:0009176.

Allele frequency attached by ClinVar (database versions not stated): TOPMed below 0.00001; gnomAD 0.00002 and 0.00003; gnomAD exomes 0.00003; ExAC 0.00004.
gnomAD v4.1: 52 of 1,600,572 alleles (0.0032%); highest among the groups gnomAD compares: East Asian, 0.009%; no homozygotes.

Submission:

Labcorp Genetics (formerly Invitae), Labcorp
Classification: Uncertain significance for Epidermodysplasia verruciformis. Last evaluated: 2022-04-12. Review status: criteria provided, single submitter. Criteria: Invitae Variant Classification Sherloc (09022015). Collection method: clinical testing. Allele origin: germline.
Comment: This sequence change replaces proline, which is neutral and non-polar, with leucine, which is neutral and non-polar, at codon 193 of the TMC6 protein (p.Pro193Leu). The frequency data for this variant in the population databases is considered unreliable, as metrics indicate poor data quality at this position in the gnomAD database. This variant has not been reported in the literature in individuals affected with TMC6-related conditions. ClinVar contains an entry for this variant (Variation ID: 574994). Algorithms developed to predict the effect of missense changes on protein structure and function are either unavailable or do not agree on the potential impact of this missense change (SIFT: "Not Available"; PolyPhen-2: "Benign"; Align-GVGD: "Not Available"). In summary, the available evidence is currently insufficient to determine the role of this variant in disease. Therefore, it has been classified as a Variant of Uncertain Significance.

NM_001127198.5(TMC6):c.578C>T (p.Pro193Leu)

Genes: TMC6 (transmembrane channel like 6; minus strand), LOC130061786 (ATAC-STARR-seq lymphoblastoid silent region 9039; plus strand). Cytogenetic location: 17q25.3.
Variant type: single nucleotide variant.
Coding change: c.578C>T on transcript NM_001127198.5 (MANE Select); coding-DNA position 578, C replaced by T.
Protein change: p.Pro193Leu; replaces proline 193 with leucine.
Molecular consequence: missense variant. On other transcripts: non-coding transcript variant (3).
Genome position (GRCh38, 1-based): chr17:78,124,944, G>A on the plus strand (C>T on the coding strand, the complement: TMC6 is on the minus strand). VCF-style: chr17-78124944-G-A. GRCh37 (hg19) VCF-style: chr17-76121025-G-A.
Other names: c.578C>T, p.Pro193Leu (NM_001321185.1, NM_001374593.1, NM_001374594.1 and 4 more transcripts); short protein forms P193L.
Identifiers: ClinVar variation 574994 (VCV000574994.6), dbSNP rs758512733, ClinGen allele CA8796071.